The following is an entry in ClinVar:

NM_174889.5(NDUFAF2):c.62A>G (p.Glu21Gly)

Gene: NDUFAF2 (NADH:ubiquinone oxidoreductase complex assembly factor 2; plus strand). Cytogenetic location: 5q12.1.
Variant type: single nucleotide variant.
Coding change: c.62A>G on transcript NM_174889.5 (MANE Select); coding-DNA position 62, A replaced by G.
Protein change: p.Glu21Gly; replaces glutamic acid 21 with glycine.
Molecular consequence: missense variant.
Genome position (GRCh38, 1-based): chr5:60,945,317, A>G. VCF-style: chr5-60945317-A-G. GRCh37 (hg19) VCF-style: chr5-60241144-A-G.
Other names: c.62A>G (NM_174889.4); short protein forms E21G.
Identifiers: ClinVar variation 2224821 (VCV002224821.5), dbSNP rs755078834, ClinGen allele CA3278059.
Genomic context (GRCh38, chr5:60,945,317, plus strand): 5'-TGGGTTGGTCTCAGGATTTGTTCCGCGCCTTGTGGAGATCGCTGTCAAGGGAAGTGAAGG[A>G]GCACGTGGGCACGGACCAATTCGGGAACAAATACTACTACATCCCGCAGTACAAGAACTG-3'
Protein context (NP_777549.1, residues 11-31): LWRSLSREVK[Glu21Gly]HVGTDQFGNK

ClinVar aggregate classification (germline): Uncertain significance. Review status: criteria provided, multiple submitters, no conflicts (2 of 4 stars). 2 submissions from 2 submitters: Uncertain significance (2). Last evaluated 2022-03-20.

Conditions:
Inborn genetic diseases. Identifiers: MedGen C0950123, MeSH D030342.

Allele frequency attached by ClinVar (database versions not stated): gnomAD 0.00002; TOPMed 0.00007.
gnomAD v4.1: 336 of 1,613,982 alleles (0.021%); highest among the groups gnomAD compares: Non-Finnish European, 0.028%; no homozygotes.

Submissions (2):

Labcorp Genetics (formerly Invitae), Labcorp
Classification: Uncertain significance. Last evaluated: 2022-03-20. Review status: criteria provided, single submitter. Criteria: Invitae Variant Classification Sherloc (09022015). Collection method: clinical testing. Allele origin: germline.
Comment: This sequence change replaces glutamic acid, which is acidic and polar, with glycine, which is neutral and non-polar, at codon 21 of the NDUFAF2 protein (p.Glu21Gly). This variant is present in population databases (rs755078834, gnomAD 0.01%). This variant has not been reported in the literature in individuals affected with NDUFAF2-related conditions. Algorithms developed to predict the effect of missense changes on protein structure and function (SIFT, PolyPhen-2, Align-GVGD) all suggest that this variant is likely to be disruptive. In summary, the available evidence is currently insufficient to determine the role of this variant in disease. Therefore, it has been classified as a Variant of Uncertain Significance.

Ambry Genetics
Classification: Uncertain significance for Inborn genetic diseases. Last evaluated: 2021-10-26. Review status: criteria provided, single submitter. Criteria: Ambry Variant Classification Scheme 2023. Collection method: clinical testing. Allele origin: germline.